The following is an entry in ClinVar:

NM_004273.5(CHST3):c.458A>T (p.Asn153Ile)

Gene: CHST3 (carbohydrate sulfotransferase 3; plus strand). Cytogenetic location: 10q22.1.
Variant type: single nucleotide variant.
Coding change: c.458A>T on transcript NM_004273.5 (MANE Select); coding-DNA position 458, A replaced by T.
Protein change: p.Asn153Ile; replaces asparagine 153 with isoleucine.
Molecular consequence: missense variant.
Genome position (GRCh38, 1-based): chr10:72,007,489, A>T. VCF-style: chr10-72007489-A-T. GRCh37 (hg19) VCF-style: chr10-73767247-A-T.
Other names: short protein forms N153I.
Identifiers: ClinVar variation 3662922 (VCV003662922.2).

ClinVar aggregate classification (germline): Uncertain significance (1 of 4 stars; one submission).

Conditions:
Spondyloepiphyseal dysplasia with congenital joint dislocations (SEDCJD). Also called: Chondrodysplasia with Congenital Joint Dislocations, CHST3-Related. Identifiers: Orphanet 263463, MedGen C1837657, MONDO:0007738, OMIM 143095.

Submission:

Labcorp Genetics (formerly Invitae), Labcorp
Classification: Uncertain significance for Spondyloepiphyseal dysplasia with congenital joint dislocations. Last evaluated: 2024-11-27. Review status: criteria provided, single submitter. Criteria: Invitae Variant Classification Sherloc (09022015). Collection method: clinical testing. Allele origin: germline.
Comment: This sequence change replaces asparagine, which is neutral and polar, with isoleucine, which is neutral and non-polar, at codon 153 of the CHST3 protein (p.Asn153Ile). This variant is not present in population databases (gnomAD no frequency). This variant has not been reported in the literature in individuals affected with CHST3-related conditions. Invitae Evidence Modeling of protein sequence and biophysical properties (such as structural, functional, and spatial information, amino acid conservation, physicochemical variation, residue mobility, and thermodynamic stability) indicates that this missense variant is expected to disrupt CHST3 protein function with a positive predictive value of 95%. In summary, the available evidence is currently insufficient to determine the role of this variant in disease. Therefore, it has been classified as a Variant of Uncertain Significance.